The following is an entry in ClinVar:

ClinVar aggregate classification (germline): Uncertain significance (1 of 4 stars; one submission).

Conditions:
Cardiomyopathy (CMYO). Also called: Cardiomyopathies. Identifiers: Orphanet 167848, MedGen C0878544, MONDO:0004994, HP:0001638. Inheritance: Various modes of inheritance.

Submission:

Color Diagnostics, LLC DBA Color Health
Classification: Uncertain significance for Cardiomyopathy. Last evaluated: 2025-06-23. Review status: criteria provided, single submitter. Criteria: ACMG Guidelines, 2015. Collection method: clinical testing. Allele origin: germline.
Comment: This missense variant replaces phenylalanine with leucine at codon 47 of the TMEM43 protein. Computational prediction suggests that this variant may not impact protein structure and function. To our knowledge, functional studies have not been reported for this variant. This variant has not been reported in individuals affected with TMEM43-related disorders in the literature. This variant has not been identified in the general population by the Genome Aggregation Database (gnomAD). The available evidence is insufficient to determine the role of this variant in disease conclusively. Therefore, this variant is classified as a Variant of Uncertain Significance.

NM_024334.3(TMEM43):c.141C>G (p.Phe47Leu)

Gene: TMEM43 (transmembrane protein 43; plus strand). Cytogenetic location: 3p25.1.
Variant type: single nucleotide variant.
Coding change: c.141C>G on transcript NM_024334.3 (MANE Select); coding-DNA position 141, C replaced by G.
Protein change: p.Phe47Leu; replaces phenylalanine 47 with leucine.
Molecular consequence: missense variant. On other transcripts: intron variant (1).
Genome position (GRCh38, 1-based): chr3:14,129,540, C>G. VCF-style: chr3-14129540-C-G. GRCh37 (hg19) VCF-style: chr3-14171040-C-G.
Other names: c.141C>G, p.Phe47Leu (NM_001407276.1, NM_001407277.1, NM_001407278.1 and 3 more transcripts); c.13-1282C>G (NM_001407280.1); short protein forms F47L.
Identifiers: ClinVar variation 4757051 (VCV004757051.1).